The following is an entry in ClinVar:

NM_001792.5(CDH2):c.1491del (p.Phe497fs)

Gene: CDH2 (cadherin 2; minus strand). Cytogenetic location: 18q12.1.
Variant type: Deletion.
Coding change: c.1491del on transcript NM_001792.5 (MANE Select); coding-DNA position 1491, one base deleted (T; older notation c.1491delT).
Protein change: p.Phe497fs; shifts the reading frame from phenylalanine 497.
Molecular consequence: frameshift variant.
Genome position (GRCh38, 1-based): chr18:27,990,204, A deleted on the plus strand (T on the coding strand, the reverse complement: CDH2 is on the minus strand); the first of 4 consecutive A bases (chr18:27,990,204-27,990,207); deleting any one gives the same sequence. VCF-style (leftmost placement, unchanged base first): chr18-27990203-CA-C. GRCh37 (hg19) VCF-style: chr18-25570167-CA-C.
Other names: c.1398del, p.Phe466fs (NM_001308176.2); short protein forms F466fs, F497fs.
Identifiers: ClinVar variation 1486911 (VCV001486911.6), dbSNP rs2143968382, ClinGen allele CA2573155159.

ClinVar aggregate classification (germline): Uncertain significance (1 of 4 stars; one submission).

Submission:

Labcorp Genetics (formerly Invitae), Labcorp
Classification: Uncertain significance. Last evaluated: 2021-04-11. Review status: criteria provided, single submitter. Criteria: Invitae Variant Classification Sherloc (09022015). Collection method: clinical testing. Allele origin: germline.
Comment: In summary, the available evidence is currently insufficient to determine the role of this variant in disease. Therefore, it has been classified as a Variant of Uncertain Significance. This variant has not been reported in the literature in individuals with CDH2-related conditions. This variant is not present in population databases (ExAC no frequency). This sequence change creates a premature translational stop signal (p.Phe497Leufs*20) in the CDH2 gene. It is expected to result in an absent or disrupted protein product. However, the current clinical and genetic evidence is not sufficient to establish whether loss-of-function variants in CDH2 cause disease.